The following is an entry in ClinVar:

NM_025099.6(CTC1):c.1177C>T (p.Arg393Trp)

Gene: CTC1 (CST telomere replication complex component 1; minus strand). Cytogenetic location: 17p13.1.
Variant type: single nucleotide variant.
Coding change: c.1177C>T on transcript NM_025099.6 (MANE Select); coding-DNA position 1177, C replaced by T.
Protein change: p.Arg393Trp; replaces arginine 393 with tryptophan.
Molecular consequence: missense variant. On other transcripts: non-coding transcript variant (1).
Genome position (GRCh38, 1-based): chr17:8,235,860, G>A on the plus strand (C>T on the coding strand, the complement: CTC1 is on the minus strand). VCF-style: chr17-8235860-G-A. GRCh37 (hg19) VCF-style: chr17-8139178-G-A.
Other names: short protein forms R393W.
Identifiers: ClinVar variation 1401554 (VCV001401554.5), dbSNP rs767962215, ClinGen allele CA8372441.

ClinVar aggregate classification (germline): Uncertain significance (1 of 4 stars; one submission).

Conditions:
Dyskeratosis congenita. Identifiers: Orphanet 1775, MedGen C0265965, MONDO:0015780.

Allele frequency attached by ClinVar (database versions not stated): TOPMed 0.00001; gnomAD exomes 0.00002 and 0.00003; ExAC 0.00003.
gnomAD v4.1: 26 of 1,613,368 alleles (0.0016%); highest among the groups gnomAD compares: South Asian, 0.021%; 1 homozygote.

Submission:

Labcorp Genetics (formerly Invitae), Labcorp
Classification: Uncertain significance for Dyskeratosis congenita. Last evaluated: 2024-05-15. Review status: criteria provided, single submitter. Criteria: Invitae Variant Classification Sherloc (09022015). Collection method: clinical testing. Allele origin: germline.
Comment: This sequence change replaces arginine, which is basic and polar, with tryptophan, which is neutral and slightly polar, at codon 393 of the CTC1 protein (p.Arg393Trp). This variant is present in population databases (rs767962215, gnomAD 0.02%). This variant has not been reported in the literature in individuals affected with CTC1-related conditions. ClinVar contains an entry for this variant (Variation ID: 1401554). Advanced modeling of protein sequence and biophysical properties (such as structural, functional, and spatial information, amino acid conservation, physicochemical variation, residue mobility, and thermodynamic stability) performed at Invitae indicates that this missense variant is expected to disrupt CTC1 protein function with a positive predictive value of 80%. Algorithms developed to predict the effect of sequence changes on RNA splicing suggest that this variant may create or strengthen a splice site. In summary, the available evidence is currently insufficient to determine the role of this variant in disease. Therefore, it has been classified as a Variant of Uncertain Significance.